The following is an entry in ClinVar:

NM_032040.5(CCDC8):c.976del (p.Asp326fs)

Gene: CCDC8 (coiled-coil domain containing 8 subunit of 3M complex; minus strand). Cytogenetic location: 19q13.32.
Variant type: Deletion.
Coding change: c.976del on transcript NM_032040.5 (MANE Select); coding-DNA position 976, one base deleted (G; older notation c.976delG).
Protein change: p.Asp326fs; shifts the reading frame from aspartic acid 326.
Molecular consequence: frameshift variant.
Genome position (GRCh38, 1-based): chr19:46,411,835, C deleted on the plus strand (G on the coding strand, the reverse complement: CCDC8 is on the minus strand). VCF-style (leftmost placement, unchanged base first): chr19-46411834-TC-T. GRCh37 (hg19) VCF-style: chr19-46915091-TC-T.
Other names: c.976delG (NM_032040.5); short protein forms D326fs.
Identifiers: ClinVar variation 2429293 (VCV002429293.3), dbSNP rs2513601361, ClinGen allele CA2580097422.

ClinVar aggregate classification (germline): Uncertain significance (1 of 4 stars; one submission).

Submission:

Women's Health and Genetics/Laboratory Corporation of America, LabCorp
Classification: Uncertain significance. Last evaluated: 2025-07-16. Review status: criteria provided, single submitter. Criteria: LabCorp Variant Classification Summary - May 2015. Collection method: clinical testing. Allele origin: germline.
Comment: Variant summary: CCDC8 c.976delG (p.Asp326ThrfsX153) results in a premature termination codon, predicted to cause a truncation of the encoded protein or absence of the protein due to nonsense mediated decay, however current evidence is not sufficient to establish loss of function as a mechanism for disease. The variant was absent in 251394 control chromosomes. The available data on variant occurrences in the general population are insufficient to allow any conclusion about variant significance. To our knowledge, no occurrence of c.976delG in individuals affected with Three M Syndrome 3 and no experimental evidence demonstrating its impact on protein function have been reported. ClinVar contains an entry for this variant (Variation ID: 2429293). Based on the evidence outlined above, the variant was classified as uncertain significance.